The following is an entry in ClinVar:

ClinVar aggregate classification (germline): Uncertain significance (1 of 4 stars; one submission).

Conditions:
Rhabdoid tumor predisposition syndrome 2 (RTPS2). Identifiers: Orphanet 231108, Orphanet 69077, MedGen C2750074, MONDO:0013224, OMIM 613325.

Submission:

Labcorp Genetics (formerly Invitae), Labcorp
Classification: Uncertain significance for Rhabdoid tumor predisposition syndrome 2. Last evaluated: 2021-11-22. Review status: criteria provided, single submitter. Criteria: Invitae Variant Classification Sherloc (09022015). Collection method: clinical testing. Allele origin: germline.
Comment: In summary, the available evidence is currently insufficient to determine the role of this variant in disease. Therefore, it has been classified as a Variant of Uncertain Significance. Algorithms developed to predict the effect of missense changes on protein structure and function (SIFT, PolyPhen-2, Align-GVGD) all suggest that this variant is likely to be disruptive. ClinVar contains an entry for this variant (Variation ID: 1002934). This variant has not been reported in the literature in individuals affected with SMARCA4-related conditions. This variant is not present in population databases (gnomAD no frequency). This sequence change replaces lysine, which is basic and polar, with arginine, which is basic and polar, at codon 82 of the SMARCA4 protein (p.Lys82Arg).

NM_003072.5(SMARCA4):c.245A>G (p.Lys82Arg)

Gene: SMARCA4 (SWI/SNF related BAF chromatin remodeling complex subunit ATPase 4; plus strand). Cytogenetic location: 19p13.2.
Variant type: single nucleotide variant.
Coding change: c.245A>G on transcript NM_003072.5 (MANE Select); coding-DNA position 245, A replaced by G.
Protein change: p.Lys82Arg; replaces lysine 82 with arginine.
Molecular consequence: missense variant. On other transcripts: non-coding transcript variant (1).
Genome position (GRCh38, 1-based): chr19:10,985,295, A>G. VCF-style: chr19-10985295-A-G. GRCh37 (hg19) VCF-style: chr19-11095971-A-G.
Other names: c.245A>G, p.Lys82Arg (NM_001128844.3, NM_001128845.2, NM_001128846.2 and 4 more transcripts); short protein forms K82R.
Identifiers: ClinVar variation 1002934 (VCV001002934.6), dbSNP rs2085926327, ClinGen allele CA404055124.